The following is an entry in ClinVar:

NM_032730.5(RTN4IP1):c.689C>G (p.Ala230Gly)

Gene: RTN4IP1 (reticulon 4 interacting protein 1; minus strand). Cytogenetic location: 6q21.
Variant type: single nucleotide variant.
Coding change: c.689C>G on transcript NM_032730.5 (MANE Select); coding-DNA position 689, C replaced by G.
Protein change: p.Ala230Gly; replaces alanine 230 with glycine.
Molecular consequence: missense variant.
Genome position (GRCh38, 1-based): chr6:106,592,281, G>C on the plus strand (C>G on the coding strand, the complement: RTN4IP1 is on the minus strand). VCF-style: chr6-106592281-G-C. GRCh37 (hg19) VCF-style: chr6-107040156-G-C.
Other names: c.389C>G, p.Ala130Gly (NM_001318746.1); c.689C>G (NM_032730.4); short protein forms A230G, A130G.
Identifiers: ClinVar variation 1952289 (VCV001952289.6), dbSNP rs2482333253, ClinGen allele CA365156712.

ClinVar aggregate classification (germline): Uncertain significance. Review status: criteria provided, multiple submitters, no conflicts (2 of 4 stars). 2 submissions from 2 submitters: Uncertain significance (2). Last evaluated 2025-11-07.

Conditions:
Inborn genetic diseases. Identifiers: MedGen C0950123, MeSH D030342.

gnomAD v4.1: 3 of 1,613,736 alleles (0.00019%); highest among the groups gnomAD compares: Non-Finnish European, 0.00025%; no homozygotes.

Submissions (2):

Ambry Genetics
Classification: Uncertain significance for Inborn genetic diseases. Last evaluated: 2025-11-07. Review status: criteria provided, single submitter. Criteria: Ambry Variant Classification Scheme 2023. Collection method: clinical testing. Allele origin: germline.

Labcorp Genetics (formerly Invitae), Labcorp
Classification: Uncertain significance. Last evaluated: 2022-10-13. Review status: criteria provided, single submitter. Criteria: Invitae Variant Classification Sherloc (09022015). Collection method: clinical testing. Allele origin: germline.
Comment: In summary, the available evidence is currently insufficient to determine the role of this variant in disease. Therefore, it has been classified as a Variant of Uncertain Significance. Advanced modeling of protein sequence and biophysical properties (such as structural, functional, and spatial information, amino acid conservation, physicochemical variation, residue mobility, and thermodynamic stability) performed at Invitae indicates that this missense variant is not expected to disrupt RTN4IP1 protein function. This variant has not been reported in the literature in individuals affected with RTN4IP1-related conditions. This variant is not present in population databases (gnomAD no frequency). This sequence change replaces alanine, which is neutral and non-polar, with glycine, which is neutral and non-polar, at codon 230 of the RTN4IP1 protein (p.Ala230Gly).